The following is an entry in ClinVar:

ClinVar aggregate classification (germline): Uncertain significance (1 of 4 stars; one submission).

Conditions:
Rubinstein-Taybi syndrome (RSTS). Identifiers: Orphanet 783, MedGen C0035934, MONDO:0019188.

gnomAD v4.1: 1 of 1,614,172 alleles (0.000062%); no homozygotes.

Submission:

Labcorp Genetics (formerly Invitae), Labcorp
Classification: Uncertain significance for Rubinstein-Taybi syndrome. Last evaluated: 2023-08-04. Review status: criteria provided, single submitter. Criteria: Invitae Variant Classification Sherloc (09022015). Collection method: clinical testing. Allele origin: germline.
Comment: This variant has not been reported in the literature in individuals affected with CREBBP-related conditions. In summary, the available evidence is currently insufficient to determine the role of this variant in disease. Therefore, it has been classified as a Variant of Uncertain Significance. Experimental studies and prediction algorithms are not available or were not evaluated, and the functional significance of this variant is currently unknown. This variant is not present in population databases (gnomAD no frequency). This sequence change replaces isoleucine, which is neutral and non-polar, with leucine, which is neutral and non-polar, at codon 1084 of the CREBBP protein (p.Ile1084Leu).

NM_004380.3(CREBBP):c.3250A>C (p.Ile1084Leu)

Gene: CREBBP (CREB binding lysine acetyltransferase; minus strand). Cytogenetic location: 16p13.3.
Variant type: single nucleotide variant.
Coding change: c.3250A>C on transcript NM_004380.3 (MANE Select); coding-DNA position 3250, A replaced by C.
Protein change: p.Ile1084Leu; replaces isoleucine 1084 with leucine.
Molecular consequence: missense variant.
Genome position (GRCh38, 1-based): chr16:3,767,720, T>G on the plus strand (A>C on the coding strand, the complement: CREBBP is on the minus strand). VCF-style: chr16-3767720-T-G. GRCh37 (hg19) VCF-style: chr16-3817721-T-G.
Other names: c.3136A>C, p.Ile1046Leu (NM_001079846.1); short protein forms I1046L, I1084L.
Identifiers: ClinVar variation 2871083 (VCV002871083.3), dbSNP rs751237748, ClinGen allele CA394570384.